The following is an entry in ClinVar:

NM_001276270.2(MBD4):c.843A>T (p.Lys281Asn)

Gene: MBD4 (methyl-CpG binding domain 4, DNA glycosylase; minus strand). Cytogenetic location: 3q21.3.
Variant type: single nucleotide variant.
Coding change: c.843A>T on transcript NM_001276270.2 (MANE Select); coding-DNA position 843, A replaced by T.
Protein change: p.Lys281Asn; replaces lysine 281 with asparagine.
Molecular consequence: missense variant. On other transcripts: intron variant (1).
Genome position (GRCh38, 1-based): chr3:129,436,801, T>A on the plus strand (A>T on the coding strand, the complement: MBD4 is on the minus strand). VCF-style: chr3-129436801-T-A. GRCh37 (hg19) VCF-style: chr3-129155644-T-A.
Other names: c.843A>T, p.Lys281Asn (NM_001276271.2, NM_001276272.2, NM_003925.3); c.247+1007A>T (NM_001276273.2); short protein forms K281N.
Identifiers: ClinVar variation 4859590 (VCV004859590.1).

ClinVar aggregate classification (germline): Uncertain significance (1 of 4 stars; one submission).

Conditions:
Inborn genetic diseases. Identifiers: MedGen C0950123, MeSH D030342.

Submission:

Ambry Genetics
Classification: Uncertain significance for Inborn genetic diseases. Last evaluated: 2026-04-23. Review status: criteria provided, single submitter. Criteria: Ambry Variant Classification Scheme 2023. Collection method: clinical testing. Allele origin: germline.
Comment: The p.K281N variant (also known as c.843A>T), located in coding exon 3 of the MBD4 gene, results from an A to T substitution at nucleotide position 843. The lysine at codon 281 is replaced by asparagine, an amino acid with similar properties. This amino acid position is conserved. In addition, this alteration is predicted to be tolerated by in silico analysis. Based on the available evidence, the clinical significance of this variant remains unclear.